The following is an entry in ClinVar:

ClinVar aggregate classification (germline): Uncertain significance. Review status: criteria provided, multiple submitters, no conflicts (2 of 4 stars). 2 submissions from 2 submitters: Uncertain significance (2). Last evaluated 2024-10-01.

Conditions:
Inborn genetic diseases. Identifiers: MedGen C0950123, MeSH D030342.

Submissions (2):

Ambry Genetics
Classification: Uncertain significance for Inborn genetic diseases. Last evaluated: 2024-10-01. Review status: criteria provided, single submitter. Criteria: Ambry Variant Classification Scheme 2023. Collection method: clinical testing. Allele origin: germline.

GeneDx
Classification: Uncertain significance. Last evaluated: 2023-06-04. Review status: criteria provided, single submitter. Criteria: GeneDx Variant Classification Process June 2021. Collection method: clinical testing. Allele origin: germline. Affected: yes.
Comment: Not observed at significant frequency in large population cohorts (gnomAD); In silico analysis supports that this missense variant does not alter protein structure/function; Has not been previously published as pathogenic or benign to our knowledge

NM_005883.3(APC2):c.4097G>A (p.Arg1366His)

Gene: APC2 (APC regulator of WNT signaling pathway 2; plus strand). Cytogenetic location: 19p13.3.
Variant type: single nucleotide variant.
Coding change: c.4097G>A on transcript NM_005883.3 (MANE Select); coding-DNA position 4097, G replaced by A.
Protein change: p.Arg1366His; replaces arginine 1366 with histidine.
Molecular consequence: missense variant.
Genome position (GRCh38, 1-based): chr19:1,467,398, G>A. VCF-style: chr19-1467398-G-A. GRCh37 (hg19) VCF-style: chr19-1467397-G-A.
Other names: c.4094G>A, p.Arg1365His (NM_001351273.1); short protein forms R1365H, R1366H.
Identifiers: ClinVar variation 3359355 (VCV003359355.2).
Genomic context (GRCh38, chr19:1,467,398, plus strand): 5'-GCCTGGGAGCCGCCGTGCCTGCCCGGCTGCGCAAGGTGGCCTCCGCGCTGGTGCCAGGTC[G>A]CCGCGCACTCCCCGTGCCCGTCTACATGTTGGTGCCCGCCCCGGCCCCGGCCCAGGAGGA-3'
Protein context (NP_005874.1, residues 1356-1376): RKVASALVPG[Arg1366His]RALPVPVYML